The following is an entry in ClinVar:

NM_207034.3(EDN3):c.5A>C (p.Glu2Ala)

Gene: EDN3 (endothelin 3; plus strand). Cytogenetic location: 20q13.32.
Variant type: single nucleotide variant.
Coding change: c.5A>C on transcript NM_207034.3 (MANE Select); coding-DNA position 5, A replaced by C.
Protein change: p.Glu2Ala; replaces glutamic acid 2 with alanine.
Molecular consequence: missense variant.
Genome position (GRCh38, 1-based): chr20:59,300,817, A>C. VCF-style: chr20-59300817-A-C. GRCh37 (hg19) VCF-style: chr20-57875872-A-C.
Other names: c.5A>C, p.Glu2Ala (NM_001302455.2, NM_001302456.2, NM_001424361.1 and 4 more transcripts); short protein forms E2A.
Identifiers: ClinVar variation 3371267 (VCV003371267.1).

ClinVar aggregate classification (germline): Uncertain significance (1 of 4 stars; one submission).

gnomAD v4.1: 1 of 1,610,890 alleles (0.000062%); highest among the groups gnomAD compares: Non-Finnish European, 0.000085%; no homozygotes.

Submission:

GeneDx
Classification: Uncertain significance. Last evaluated: 2024-03-27. Review status: criteria provided, single submitter. Criteria: GeneDx Variant Classification Process June 2021. Collection method: clinical testing. Allele origin: germline. Affected: yes.
Comment: Not observed at significant frequency in large population cohorts (gnomAD); In silico analysis supports that this missense variant has a deleterious effect on protein structure/function; Has not been previously published as pathogenic or benign to our knowledge